The following is an entry in ClinVar:

NM_001371986.1(UNC80):c.5105C>T (p.Pro1702Leu)

Genes: UNC80 (unc-80 subunit of NALCN channel complex; plus strand), LOC126806490 (P300/CBP strongly-dependent group 1 enhancer GRCh37_chr2:210782411-210783610; plus strand). Cytogenetic location: 2q34.
Variant type: single nucleotide variant.
Coding change: c.5105C>T on transcript NM_001371986.1 (MANE Select); coding-DNA position 5105, C replaced by T.
Protein change: p.Pro1702Leu; replaces proline 1702 with leucine.
Molecular consequence: missense variant.
Genome position (GRCh38, 1-based): chr2:209,917,852, C>T. VCF-style: chr2-209917852-C-T. GRCh37 (hg19) VCF-style: chr2-210782576-C-T.
Other names: c.4907C>T, p.Pro1636Leu (NM_032504.2); c.4892C>T, p.Pro1631Leu (NM_182587.4); c.4907C>T (NM_032504.1); short protein forms P1631L, P1636L, P1702L.
Identifiers: ClinVar variation 1426937 (VCV001426937.7), dbSNP rs374867757, ClinGen allele CA2083254.
Genomic context (GRCh38, chr2:209,917,852, plus strand): 5'-TGTGTGCAGTGAAGGTGCCTGAGGCCGTGTCCGACATGCTGATGTCAGAGTTCCACCACC[C>T]GGAGACTGTGCAGAGGCTGAACGCTGTCCTCAAGTTCCACACGCTCTGGAGGTTTCGCTA-3'
Protein context (NP_001358915.1, residues 1692-1712): SDMLMSEFHH[Pro1702Leu]ETVQRLNAVL

ClinVar aggregate classification (germline): Uncertain significance. Review status: criteria provided, multiple submitters, no conflicts (2 of 4 stars). 3 submissions from 3 submitters: Uncertain significance (3). Last evaluated 2026-02-26.

Conditions:
Inborn genetic diseases. Identifiers: MedGen C0950123, MeSH D030342.
UNC80-related disorder. Also called: UNC80-related condition.

Allele frequency attached by ClinVar (database versions not stated): gnomAD exomes 0.00003 and 0.00006; gnomAD 0.00004 and 0.00005; TOPMed 0.00004; ExAC 0.00013; ESP Exome Variant Server 0.00022.
gnomAD v4.1: 87 of 1,551,936 alleles (0.0056%); highest among the groups gnomAD compares: Non-Finnish European, 0.0066%; no homozygotes.

Submissions (3):

PreventionGenetics, part of Exact Sciences
Classification: Uncertain significance for UNC80-related condition. Last evaluated: 2026-02-26. Review status: criteria provided, single submitter. Criteria: ACMG Guidelines, 2015. Collection method: clinical testing. Allele origin: germline.
Comment: The UNC80 c.4907C>T variant is predicted to result in the amino acid substitution p.Pro1636Leu. To our knowledge, this variant has not been reported in the literature. This variant is reported in 0.0088% of alleles in individuals of South Asian descent in gnomAD. At this time, the clinical significance of this variant is uncertain due to the absence of conclusive functional and genetic evidence.

Ambry Genetics
Classification: Uncertain significance for Inborn genetic diseases. Last evaluated: 2024-06-13. Review status: criteria provided, single submitter. Criteria: Ambry Variant Classification Scheme 2023. Collection method: clinical testing. Allele origin: germline.

Labcorp Genetics (formerly Invitae), Labcorp
Classification: Uncertain significance. Last evaluated: 2022-07-26. Review status: criteria provided, single submitter. Criteria: Invitae Variant Classification Sherloc (09022015). Collection method: clinical testing. Allele origin: germline.
Comment: This sequence change replaces proline, which is neutral and non-polar, with leucine, which is neutral and non-polar, at codon 1636 of the UNC80 protein (p.Pro1636Leu). This variant is present in population databases (rs374867757, gnomAD 0.009%). This variant has not been reported in the literature in individuals affected with UNC80-related conditions. ClinVar contains an entry for this variant (Variation ID: 1426937). Algorithms developed to predict the effect of missense changes on protein structure and function are either unavailable or do not agree on the potential impact of this missense change (SIFT: "Not Available"; PolyPhen-2: "Possibly Damaging"; Align-GVGD: "Not Available"). In summary, the available evidence is currently insufficient to determine the role of this variant in disease. Therefore, it has been classified as a Variant of Uncertain Significance.